The following is an entry in ClinVar:

ClinVar aggregate classification (germline): Uncertain significance. Review status: criteria provided, multiple submitters, no conflicts (2 of 4 stars). 2 submissions from 2 submitters: Uncertain significance (2). Last evaluated 2023-10-03.

Conditions:
Emery-Dreifuss muscular dystrophy 5, autosomal dominant (EDMD5). Also called: EMERY-DREIFUSS MUSCULAR DYSTROPHY 5. Identifiers: Orphanet 261, MedGen C2751805, MONDO:0013072, OMIM 612999.

Allele frequency attached by ClinVar (database versions not stated): gnomAD 0.00001; ExAC 0.00002; gnomAD exomes 0.00002; TOPMed 0.00004.
gnomAD v4.1: 6 of 1,614,032 alleles (0.00037%); highest among the groups gnomAD compares: Admixed American, 0.0033%; no homozygotes.

Submissions (2):

Labcorp Genetics (formerly Invitae), Labcorp
Classification: Uncertain significance for Emery-Dreifuss muscular dystrophy 5, autosomal dominant. Last evaluated: 2023-10-03. Review status: criteria provided, single submitter. Criteria: Invitae Variant Classification Sherloc (09022015). Collection method: clinical testing. Allele origin: germline.
Comment: This sequence change replaces histidine, which is basic and polar, with tyrosine, which is neutral and polar, at codon 1904 of the SYNE2 protein (p.His1904Tyr). This variant is present in population databases (rs762428121, gnomAD 0.02%). This variant has not been reported in the literature in individuals affected with SYNE2-related conditions. ClinVar contains an entry for this variant (Variation ID: 282303). An algorithm developed to predict the effect of missense changes on protein structure and function (PolyPhen-2) suggests that this variant is likely to be disruptive. In summary, the available evidence is currently insufficient to determine the role of this variant in disease. Therefore, it has been classified as a Variant of Uncertain Significance.

Eurofins Ntd Llc (ga)
Classification: Uncertain significance. Last evaluated: 2015-09-10. Review status: criteria provided, single submitter. Criteria: EGL Classification Definitions 2015. Collection method: clinical testing. Allele origin: germline. Observed: 1 variant allele, 1 heterozygote.

NM_182914.3(SYNE2):c.5710C>T (p.His1904Tyr)

Gene: SYNE2 (spectrin repeat containing nuclear envelope protein 2; plus strand). Cytogenetic location: 14q23.2.
Variant type: single nucleotide variant.
Coding change: c.5710C>T on transcript NM_182914.3 (MANE Select); coding-DNA position 5710, C replaced by T.
Protein change: p.His1904Tyr; replaces histidine 1904 with tyrosine.
Molecular consequence: missense variant.
Genome position (GRCh38, 1-based): chr14:64,024,329, C>T. VCF-style: chr14-64024329-C-T. GRCh37 (hg19) VCF-style: chr14-64491047-C-T.
Other names: c.5710C>T, p.His1904Tyr (NM_015180.6); short protein forms H1904Y.
Identifiers: ClinVar variation 282303 (VCV000282303.14), dbSNP rs762428121, ClinGen allele CA7220539.